The following is an entry in ClinVar:

ClinVar aggregate classification (germline): Likely pathogenic. Review status: criteria provided, multiple submitters, no conflicts (2 of 4 stars). 3 submissions from 3 submitters: Likely pathogenic (3). Last evaluated 2025-12-04.

Conditions:
Hereditary pulmonary alveolar proteinosis. Also called: Pulmonary surfactant metabolism dysfunction. Identifiers: Orphanet 264675, MedGen C3711368, MONDO:0012580.
Interstitial lung disease due to ABCA3 deficiency. Also called: PULMONARY ALVEOLAR PROTEINOSIS, CONGENITAL, 3. Identifiers: Orphanet 440402, MedGen C1970456, MONDO:0012582, OMIM 610921.

Allele frequency attached by ClinVar (database versions not stated): gnomAD 0.00001; gnomAD exomes 0.00001; TOPMed 0.00001.
gnomAD v4.1: 9 of 1,612,450 alleles (0.00056%); highest among the groups gnomAD compares: Non-Finnish European, 0.00068%; no homozygotes.

Submissions (3):

Myriad Genetics, Inc.
Classification: Likely pathogenic for Interstitial lung disease due to ABCA3 deficiency. Last evaluated: 2025-12-04. Review status: criteria provided, single submitter. Criteria: Myriad Autosomal Dominant, Autosomal Recessive and X-Linked Classification Criteria (2023). Collection method: clinical testing. Allele origin: unknown.
Comment: NM_001089.2(ABCA3):c.4618G>A(E1540K) is a missense variant classified as likely pathogenic in the context of surfactant deficiency, ABCA3-related. E1540K has been observed in cases with relevant disease (PMID: 24871971, 34906463). Relevant functional assessments of this variant are not available in the literature. Internal structural analysis of the variant is supportive of pathogenicity. E1540K has not been observed in referenced population frequency databases. In summary, NM_001089.2(ABCA3):c.4618G>A(E1540K) is a missense variant that has internal structural support for pathogenicity and has been observed more frequently in cases with the relevant disease than in healthy populations. Please note: this variant was assessed in the context of healthy population screening.

Labcorp Genetics (formerly Invitae), Labcorp
Classification: Likely pathogenic. Last evaluated: 2023-10-18. Review status: criteria provided, single submitter. Criteria: Invitae Variant Classification Sherloc (09022015). Collection method: clinical testing. Allele origin: germline.
Comment: This sequence change replaces glutamic acid, which is acidic and polar, with lysine, which is basic and polar, at codon 1540 of the ABCA3 protein (p.Glu1540Lys). This variant is not present in population databases (gnomAD no frequency). This missense change has been observed in individual(s) with autosomal recessive ABCA3-related conditions (PMID: 24871971). In at least one individual the data is consistent with being in trans (on the opposite chromosome) from a pathogenic variant. ClinVar contains an entry for this variant (Variation ID: 1741928). Advanced modeling of protein sequence and biophysical properties (such as structural, functional, and spatial information, amino acid conservation, physicochemical variation, residue mobility, and thermodynamic stability) performed at Invitae indicates that this missense variant is expected to disrupt ABCA3 protein function. In summary, the currently available evidence indicates that the variant is pathogenic, but additional data are needed to prove that conclusively. Therefore, this variant has been classified as Likely Pathogenic.

Ambry Genetics
Classification: Likely pathogenic for Hereditary pulmonary alveolar proteinosis. Last evaluated: 2019-03-20. Review status: criteria provided, single submitter. Criteria: Ambry Variant Classification Scheme 2023. Collection method: clinical testing. Allele origin: germline.
Comment: The p.E1540K variant (also known as c.4618G>A), located in coding exon 27 of the ABCA3 gene, results from a G to A substitution at nucleotide position 4618. The glutamic acid at codon 1540 is replaced by lysine, an amino acid with similar properties. This variant was also identified in 3 individuals in a cohort of infants and children with severe neonatal respiratory failure or childhood interstitial lung disease (Wambach JA et al. Am. J. Respir. Crit. Care Med., 2014 Jun;189:1538-43). Twin siblings with lung disease were heterozygous, and no additional ABCA3 variants were detected. An unrelated deceased individual was compound heterozygous with a frameshift mutation on the other chromosome (JA Wambach, personal communication). This variant was not reported in population-based cohorts in the Genome Aggregation Database (gnomAD) (Lek M et al. Nature, 2016 08;536:285-91). Based on structural analysis, this variant is located in one of the nucleotide binding domains (NBD) in the ABCA3 protein, and the glutamic acid residue is highly conserved in NBD found in other human ABC transporters (Matsumura Y et al. J. Biol. Chem., 2006 Nov;281:34503-14). This amino acid position is also highly conserved in available vertebrate species. In addition, this alteration is predicted to be deleterious by in silico analysis. Based on the majority of available evidence to date, this variant is likely to be pathogenic.

Literature cited by the submitters: PubMed 24871971 (cited by 3 submitters); PubMed 34906463 (cited by Myriad Genetics, Inc.); PubMed 16959783 (cited by Ambry Genetics); PubMed 28602350 (cited by Ambry Genetics).

NM_001089.3(ABCA3):c.4618G>A (p.Glu1540Lys)

Gene: ABCA3 (ATP binding cassette subfamily A member 3; minus strand). Cytogenetic location: 16p13.3.
Variant type: single nucleotide variant.
Coding change: c.4618G>A on transcript NM_001089.3 (MANE Select); coding-DNA position 4618, G replaced by A.
Protein change: p.Glu1540Lys; replaces glutamic acid 1540 with lysine.
Molecular consequence: missense variant.
Genome position (GRCh38, 1-based): chr16:2,278,388, C>T on the plus strand (G>A on the coding strand, the complement: ABCA3 is on the minus strand). VCF-style: chr16-2278388-C-T. GRCh37 (hg19) VCF-style: chr16-2328389-C-T.
Other names: short protein forms E1540K.
Identifiers: ClinVar variation 1741928 (VCV001741928.6), dbSNP rs968080956, ClinGen allele CA501013.